The following is an entry in ClinVar:

ClinVar aggregate classification (germline): Uncertain significance (1 of 4 stars; one submission).

Submission:

GeneDx
Classification: Uncertain significance. Last evaluated: 2021-04-01. Review status: criteria provided, single submitter. Criteria: GeneDx Variant Classification Process June 2021. Collection method: clinical testing. Allele origin: germline. Affected: yes.
Comment: Has not been previously published as pathogenic or benign to our knowledge; Not observed at a significant frequency in large population cohorts (Lek et al., 2016); In silico analysis supports a deleterious effect on protein structure/function

NM_000229.2(LCAT):c.1027_1028inv (p.Leu343Arg)

Gene: LCAT (lecithin-cholesterol acyltransferase; minus strand). Cytogenetic location: 16q22.1.
Variant type: Inversion.
Coding change: c.1027_1028inv on transcript NM_000229.2 (MANE Select).
Protein change: p.Leu343Arg; replaces leucine 343 with arginine.
Molecular consequence: missense variant.
Genome position: GRCh38 VCF-style: chr16-67940199-AG-CT. GRCh37 (hg19) VCF-style: chr16-67974102-AG-CT.
Other names: short protein forms L343R.
Identifiers: ClinVar variation 1314355 (VCV001314355.2), ClinGen allele CA2573054257.